The following is an entry in ClinVar:

ClinVar aggregate classification (germline): Uncertain significance (1 of 4 stars; one submission).

Conditions:
Hereditary cancer-predisposing syndrome. Also called: Hereditary neoplastic syndrome; Neoplastic Syndromes, Hereditary; Tumor predisposition; Hereditary Cancer Syndrome. Identifiers: Orphanet 140162, MedGen C0027672, MeSH D009386, MONDO:0015356.

Submission:

Ambry Genetics
Classification: Uncertain significance for Hereditary cancer-predisposing syndrome. Last evaluated: 2025-07-07. Review status: criteria provided, single submitter. Criteria: Ambry Variant Classification Scheme 2023. Collection method: clinical testing. Allele origin: germline.
Comment: The p.E648D variant (also known as c.1944A>C), located in coding exon 12 of the RAD50 gene, results from an A to C substitution at nucleotide position 1944. The glutamic acid at codon 648 is replaced by aspartic acid, an amino acid with highly similar properties. This amino acid position is conserved. In addition, this alteration is predicted to be tolerated by in silico analysis. Based on the available evidence, the clinical significance of this variant remains unclear.

NM_005732.4(RAD50):c.1944A>C (p.Glu648Asp)

Gene: RAD50 (RAD50 double strand break repair protein; plus strand). Cytogenetic location: 5q31.1.
Variant type: single nucleotide variant.
Coding change: c.1944A>C on transcript NM_005732.4 (MANE Select); coding-DNA position 1944, A replaced by C.
Protein change: p.Glu648Asp; replaces glutamic acid 648 with aspartic acid.
Molecular consequence: missense variant.
Genome position (GRCh38, 1-based): chr5:132,595,019, A>C. VCF-style: chr5-132595019-A-C. GRCh37 (hg19) VCF-style: chr5-131930711-A-C.
Other names: short protein forms E648D.
Identifiers: ClinVar variation 4149723 (VCV004149723.1).